The following is an entry in ClinVar:

ClinVar aggregate classification (germline): Likely pathogenic (1 of 4 stars; one submission).

Submission:

Dasa
Classification: Likely pathogenic. Last evaluated: 2025-09-18. Review status: criteria provided, single submitter. Criteria: DASA Assertion Criteria. Collection method: clinical testing. Allele origin: germline.
Comment: NM_000138.5(FBN1):c.5336del (p.Asn1779Metfs*114) is a frameshift variant in FBN1 predicted to alter the reading frame and introduce a premature termination codon and is predicted to result in an absent or altered protein product. Loss of function is an established disease mechanism for FBN1 (PMID: 17701892; PMID: 30286810; PMID: 21063442). Published studies describe this variant in association with related phenotype (PMID: 18435798). Also, this variant is absent from population databases. Based on the currently available evidence, this variant is classified as likely pathogenic.

Literature cited by the submitters: PubMed 18435798; PubMed 17701892; PubMed 30286810; PubMed 21063442.

NM_000138.5(FBN1):c.5336del (p.Asn1779fs)

Gene: FBN1 (fibrillin 1; minus strand). Cytogenetic location: 15q21.1.
Variant type: Deletion.
Coding change: c.5336del on transcript NM_000138.5 (MANE Select); coding-DNA position 5336, one base deleted (A; older notation c.5336delA).
Protein change: p.Asn1779fs; shifts the reading frame from asparagine 1779.
Molecular consequence: frameshift variant.
Genome position (GRCh38, 1-based): chr15:48,456,723, T deleted on the plus strand (A on the coding strand, the reverse complement: FBN1 is on the minus strand); the first of 4 consecutive T bases (chr15:48,456,723-48,456,726); deleting any one gives the same sequence. VCF-style (leftmost placement, unchanged base first): chr15-48456722-AT-A. GRCh37 (hg19) VCF-style: chr15-48748919-AT-A.
Other names: c.5336del, p.Asn1779fs (NM_001406716.1); short protein forms N1779fs.
Identifiers: ClinVar variation 4880611 (VCV004880611.2).